The following is an entry in ClinVar:

NM_002662.5(PLD1):c.1146-16G>A

Gene: PLD1 (phospholipase D1; minus strand). Cytogenetic location: 3q26.31.
Variant type: single nucleotide variant.
Coding change: c.1146-16G>A on transcript NM_002662.5 (MANE Select); 16 bases into the intron before coding-DNA position 1146, G replaced by A.
Molecular consequence: intron variant.
Genome position (GRCh38, 1-based): chr3:171,699,842, C>T on the plus strand (G>A on the coding strand, the complement: PLD1 is on the minus strand). VCF-style: chr3-171699842-C-T. GRCh37 (hg19) VCF-style: chr3-171417632-C-T.
Other names: c.1146-16G>A (NM_001130081.3).
Identifiers: ClinVar variation 1599027 (VCV001599027.16), dbSNP rs191988004, ClinGen allele CA2704720.

ClinVar aggregate classification (germline): Conflicting classifications of pathogenicity. Review status: criteria provided, conflicting classifications (1 of 4 stars). 2 submissions from 2 submitters: Uncertain significance (1); Benign (1). Last evaluated 2025-10-22.

gnomAD v4.1: 104 of 1,600,220 alleles (0.0065%); highest among the groups gnomAD compares: Admixed American, 0.17%; no homozygotes.

Submissions (2):

Labcorp Genetics (formerly Invitae), Labcorp
Classification: Benign. Last evaluated: 2025-10-22. Review status: criteria provided, single submitter. Criteria: Invitae Variant Classification Sherloc (09022015). Collection method: clinical testing. Allele origin: germline.

CeGaT Center for Human Genetics Tuebingen
Classification: Uncertain significance. Last evaluated: 2025-08-01. Review status: criteria provided, single submitter. Criteria: CeGaT Center For Human Genetics Tuebingen Variant Classification Criteria Version 2. Collection method: clinical testing. Allele origin: germline. Affected: yes. Observed: 1 variant allele.
Comment: PLD1: PP3